The following is an entry in ClinVar:

ClinVar aggregate classification (germline): Likely benign. Review status: criteria provided, multiple submitters, no conflicts (2 of 4 stars). 3 submissions from 3 submitters: Likely benign (3). Last evaluated 2026-04-08.

Conditions:
PLOD2-related disorder. Also called: PLOD2-related condition.

Allele frequency attached by ClinVar (database versions not stated): TOPMed 0.00005; ExAC 0.00006; gnomAD 0.00006; gnomAD exomes 0.00007 and 0.00017.
gnomAD v4.1: 256 of 1,610,854 alleles (0.016%); highest among the groups gnomAD compares: Non-Finnish European, 0.021%; no homozygotes.

Submissions (3):

PreventionGenetics, part of Exact Sciences
Classification: Likely benign for PLOD2-related condition. Last evaluated: 2026-04-08. Review status: criteria provided, single submitter. Criteria: ACMG Guidelines, 2015. Collection method: clinical testing. Allele origin: germline.
Comment: This variant is classified as likely benign based on ACMG/AMP sequence variant interpretation guidelines (Richards et al. 2015 PMID: 25741868, with internal and published modifications).

Labcorp Genetics (formerly Invitae), Labcorp
Classification: Likely benign. Last evaluated: 2025-02-13. Review status: criteria provided, single submitter. Criteria: Invitae Variant Classification Sherloc (09022015). Collection method: clinical testing. Allele origin: germline.

Blueprint Genetics
Classification: Likely benign. Last evaluated: 2024-04-02. Review status: criteria provided, single submitter. Criteria: ACMG Guidelines, 2015. Collection method: clinical testing. Allele origin: germline.

NM_182943.3(PLOD2):c.1798T>C (p.Leu600=)

Gene: PLOD2 (procollagen-lysine,2-oxoglutarate 5-dioxygenase 2; minus strand). Cytogenetic location: 3q24.
Variant type: single nucleotide variant.
Coding change: c.1798T>C on transcript NM_182943.3 (MANE Select); coding-DNA position 1798, T replaced by C.
Protein change: p.Leu600=; no amino-acid change (leucine 600 retained).
Molecular consequence: synonymous variant.
Genome position (GRCh38, 1-based): chr3:146,072,611, A>G on the plus strand (T>C on the coding strand, the complement: PLOD2 is on the minus strand). VCF-style: chr3-146072611-A-G. GRCh37 (hg19) VCF-style: chr3-145790398-A-G.
Other names: c.1735T>C, p.Leu579= (NM_000935.3).
Identifiers: ClinVar variation 734071 (VCV000734071.9), dbSNP rs772058882, ClinGen allele CA2654768.